The following is an entry in ClinVar:

ClinVar aggregate classification (germline): Pathogenic/Likely pathogenic. Review status: criteria provided, multiple submitters, no conflicts (2 of 4 stars). 4 submissions from 4 submitters: Pathogenic (2); Likely pathogenic (2). Last evaluated 2026-02-13.

Conditions:
Autosomal recessive spinocerebellar ataxia 10. Identifiers: Orphanet 284289, MedGen C3150998, MONDO:0013392, OMIM 613728.

Allele frequency attached by ClinVar (database versions not stated): ExAC 0.00001; gnomAD exomes 0.00001; TOPMed 0.00001.
gnomAD v4.1: 19 of 1,613,560 alleles (0.0012%); highest among the groups gnomAD compares: Non-Finnish European, 0.0016%; no homozygotes.

Submissions (4):

OLLIN Analises Genomicas, OLLIN
Classification: Likely pathogenic for Autosomal recessive spinocerebellar ataxia 10. Last evaluated: 2026-02-13. Review status: criteria provided, single submitter. Criteria: ACMG Guidelines 2015 PMID 25741868. Collection method: clinical testing. Allele origin: germline. Observed: 1 variant allele.
Comment: PVS1_S, PM2_P

Women's Health and Genetics/Laboratory Corporation of America, LabCorp
Classification: Pathogenic for Autosomal recessive spinocerebellar ataxia 10. Last evaluated: 2024-05-10. Review status: criteria provided, single submitter. Criteria: LabCorp Variant Classification Summary - May 2015. Collection method: clinical testing. Allele origin: germline.
Comment: Variant summary: ANO10 c.124A>T (p.Lys42X) results in a premature termination codon, predicted to cause a truncation of the encoded protein or absence of the protein due to nonsense mediated decay, which are commonly known mechanisms for disease. The variant allele was found at a frequency of 8e-06 in 251318 control chromosomes. To our knowledge, no occurrence of c.124A>T in individuals affected with Spinocerebellar ataxia 10 and no experimental evidence demonstrating its impact on protein function have been reported. ClinVar contains an entry for this variant (Variation ID: 452043). Based on the evidence outlined above, the variant was classified as pathogenic.

Labcorp Genetics (formerly Invitae), Labcorp
Classification: Pathogenic. Last evaluated: 2023-11-30. Review status: criteria provided, single submitter. Criteria: Invitae Variant Classification Sherloc (09022015). Collection method: clinical testing. Allele origin: germline.
Comment: This sequence change creates a premature translational stop signal (p.Lys42*) in the ANO10 gene. It is expected to result in an absent or disrupted protein product. Loss-of-function variants in ANO10 are known to be pathogenic (PMID: 25089919). This variant is present in population databases (rs768831597, gnomAD 0.002%). This variant has not been reported in the literature in individuals affected with ANO10-related conditions. ClinVar contains an entry for this variant (Variation ID: 452043). For these reasons, this variant has been classified as Pathogenic.

GeneDx
Classification: Likely pathogenic. Last evaluated: 2017-09-21. Review status: criteria provided, single submitter. Criteria: GeneDx Variant Classification (06012015). Collection method: clinical testing. Allele origin: germline. Affected: yes.
Comment: The K42X variant in the ANO10 gene has not been reported previously as a pathogenic variant nor as a benign variant, to our knowledge. This variant is predicted to cause loss of normal protein function either through protein truncation or nonsense-mediated mRNA decay. The K42X variant is not observed in large population cohorts (Lek et al., 2016). We interpret K42X as a likely pathogenic variant.

Literature cited by the submitters: PubMed 25089919 (cited by Labcorp Genetics (formerly Invitae), Labcorp).

NM_018075.5(ANO10):c.124A>T (p.Lys42Ter)

Gene: ANO10 (anoctamin 10; minus strand). Cytogenetic location: 3p21.33.
Variant type: single nucleotide variant.
Coding change: c.124A>T on transcript NM_018075.5 (MANE Select); coding-DNA position 124, A replaced by T.
Protein change: p.Lys42Ter; replaces lysine 42 with a stop codon.
Molecular consequence: nonsense.
Genome position (GRCh38, 1-based): chr3:43,605,729, T>A on the plus strand (A>T on the coding strand, the complement: ANO10 is on the minus strand). VCF-style: chr3-43605729-T-A. GRCh37 (hg19) VCF-style: chr3-43647221-T-A.
Other names: c.124A>T, p.Lys42Ter (NM_001204831.3, NM_001204832.3, NM_001204833.3 and 8 more transcripts); short protein forms K42*.
Identifiers: ClinVar variation 452043 (VCV000452043.7), dbSNP rs768831597, ClinGen allele CA2341144.